The following is an entry in ClinVar:

NM_000237.3(LPL):c.94_98del (p.Arg32fs)

Gene: LPL (lipoprotein lipase; plus strand). Cytogenetic location: 8p21.3.
Variant type: Deletion.
Coding change: c.94_98del on transcript NM_000237.3 (MANE Select); coding-DNA positions 94 to 98, 5 bases deleted (AGAGA; older notation c.94_98delAGAGA).
Protein change: p.Arg32fs; shifts the reading frame from arginine 32.
Molecular consequence: frameshift variant.
Genome position (GRCh38, 1-based): chr8:19,948,185-19,948,189, AGAGA deleted; deleting any 5 consecutive bases within chr8:19,948,182-19,948,189 gives the same sequence; the c. name uses the placement nearest the transcript's 3' end. VCF-style (leftmost placement, unchanged base first): chr8-19948181-AAGAAG-A. GRCh37 (hg19) VCF-style: chr8-19805692-AAGAAG-A.
Other names: c.94_98delAGAGA (NM_000237.2); short protein forms R32fs.
Identifiers: ClinVar variation 950321 (VCV000950321.7), dbSNP rs1263698980, ClinGen allele CA580502347.
Genomic context (GRCh38, chr8:19,948,181, plus strand): 5'-CCAATGAATAAAATCAAGCAACCCTCCAGTTAACCTCATATCCAATTTTTCCTTTCCAGA[AAGAAG>A]AGATTTTATCGACATCGAAAGTAAATTTGCCCTAAGGACCCCTGAAGACACAGCTGAGGA-3'

ClinVar aggregate classification (germline): Pathogenic. Review status: criteria provided, multiple submitters, no conflicts (2 of 4 stars). 2 submissions from 2 submitters: Pathogenic (2). Last evaluated 2026-04-29.

Conditions:
Cardiovascular phenotype. Identifiers: MedGen CN230736.

Submissions (2):

Ambry Genetics
Classification: Pathogenic for Cardiovascular phenotype. Last evaluated: 2026-04-29. Review status: criteria provided, single submitter. Criteria: Ambry Variant Classification Scheme 2023. Collection method: clinical testing. Allele origin: germline.
Comment: The c.94_98delAGAGA pathogenic mutation, located in coding exon 2 of the LPL gene, results from a deletion of 5 nucleotides at nucleotide positions 94 to 98, causing a translational frameshift with a predicted alternate stop codon (p.R32Ffs*7). This variant has been identified in the homozygous state and/or in conjunction with other LPL variant(s) in individual(s) with features consistent with LPL-related chylomicronemia syndrome (Colima Fausto AG et al. Ann Lab Med, 2017 Jul;37:355-358). This variant is considered to be rare based on population cohorts in the Genome Aggregation Database (gnomAD). This alteration is expected to result in loss of function by premature protein truncation or nonsense-mediated mRNA decay. As such, this alteration is interpreted as a disease-causing mutation.

Labcorp Genetics (formerly Invitae), Labcorp
Classification: Pathogenic. Last evaluated: 2025-04-11. Review status: criteria provided, single submitter. Criteria: Invitae Variant Classification Sherloc (09022015). Collection method: clinical testing. Allele origin: germline.
Comment: This sequence change creates a premature translational stop signal (p.Arg32Phefs*7) in the LPL gene. It is expected to result in an absent or disrupted protein product. Loss-of-function variants in LPL are known to be pathogenic (PMID: 11334614). This variant is present in population databases (no rsID available, gnomAD 0.01%). This premature translational stop signal has been observed in individual(s) with clinical features of dyslipidemia (PMID: 32041611). ClinVar contains an entry for this variant (Variation ID: 950321). For these reasons, this variant has been classified as Pathogenic.

Literature cited by the submitters: PubMed 28445021 (cited by Ambry Genetics); PubMed 11334614 (cited by Labcorp Genetics (formerly Invitae), Labcorp); PubMed 32041611 (cited by Labcorp Genetics (formerly Invitae), Labcorp).